The following is an entry in ClinVar:

ClinVar aggregate classification (germline): Uncertain significance (1 of 4 stars; one submission).

gnomAD v4.1: 7 of 1,614,204 alleles (0.00043%); highest among the groups gnomAD compares: South Asian, 0.0066%; no homozygotes.

Submission:

Labcorp Genetics (formerly Invitae), Labcorp
Classification: Uncertain significance. Last evaluated: 2025-04-08. Review status: criteria provided, single submitter. Criteria: Invitae Variant Classification Sherloc (09022015). Collection method: clinical testing. Allele origin: germline.
Comment: This sequence change replaces proline, which is neutral and non-polar, with glutamine, which is neutral and polar, at codon 1335 of the COL4A3 protein (p.Pro1335Gln). This variant is present in population databases (rs749935887, gnomAD 0.01%). This variant has not been reported in the literature in individuals affected with COL4A3-related conditions. ClinVar contains an entry for this variant (Variation ID: 1981160). An algorithm developed to predict the effect of missense changes on protein structure and function outputs the following: PolyPhen-2: "Not Available". The glutamine amino acid residue is found in multiple mammalian species, which suggests that this missense change does not adversely affect protein function. In summary, the available evidence is currently insufficient to determine the role of this variant in disease. Therefore, it has been classified as a Variant of Uncertain Significance.

NM_000091.5(COL4A3):c.4004C>A (p.Pro1335Gln)

Genes: COL4A3 (collagen type IV alpha 3 chain; plus strand), MFF-DT (MFF divergent transcript; minus strand). Cytogenetic location: 2q36.3.
Variant type: single nucleotide variant.
Coding change: c.4004C>A on transcript NM_000091.5 (MANE Select); coding-DNA position 4004, C replaced by A.
Protein change: p.Pro1335Gln; replaces proline 1335 with glutamine.
Molecular consequence: missense variant.
Genome position (GRCh38, 1-based): chr2:227,303,907, C>A. VCF-style: chr2-227303907-C-A. GRCh37 (hg19) VCF-style: chr2-228168623-C-A.
Other names: short protein forms P1335Q.
Identifiers: ClinVar variation 1981160 (VCV001981160.2), dbSNP rs749935887, ClinGen allele CA2147421.